The following is an entry in ClinVar:

NM_013432.5(TONSL):c.799A>G (p.Lys267Glu)

Gene: TONSL (tonsoku like, DNA repair protein; minus strand). Cytogenetic location: 8q24.3.
Variant type: single nucleotide variant.
Coding change: c.799A>G on transcript NM_013432.5 (MANE Select); coding-DNA position 799, A replaced by G.
Protein change: p.Lys267Glu; replaces lysine 267 with glutamic acid.
Molecular consequence: missense variant.
Genome position (GRCh38, 1-based): chr8:144,442,103, T>C on the plus strand (A>G on the coding strand, the complement: TONSL is on the minus strand). VCF-style: chr8-144442103-T-C. GRCh37 (hg19) VCF-style: chr8-145667486-T-C.
Other names: short protein forms K267E.
Identifiers: ClinVar variation 2046815 (VCV002046815.4), dbSNP rs2537506266, ClinGen allele CA372675279.

ClinVar aggregate classification (germline): Uncertain significance (1 of 4 stars; one submission).

Submission:

Labcorp Genetics (formerly Invitae), Labcorp
Classification: Uncertain significance. Last evaluated: 2022-07-30. Review status: criteria provided, single submitter. Criteria: Invitae Variant Classification Sherloc (09022015). Collection method: clinical testing. Allele origin: germline.
Comment: Algorithms developed to predict the effect of missense changes on protein structure and function are either unavailable or do not agree on the potential impact of this missense change (SIFT: "Deleterious"; PolyPhen-2: "Probably Damaging"; Align-GVGD: "Class C15"). In summary, the available evidence is currently insufficient to determine the role of this variant in disease. Therefore, it has been classified as a Variant of Uncertain Significance. This variant has not been reported in the literature in individuals affected with TONSL-related conditions. This sequence change replaces lysine, which is basic and polar, with glutamic acid, which is acidic and polar, at codon 267 of the TONSL protein (p.Lys267Glu). This variant is not present in population databases (gnomAD no frequency).